The following is an entry in ClinVar:

ClinVar aggregate classification (germline): Uncertain significance. Review status: criteria provided, multiple submitters, no conflicts (2 of 4 stars). 2 submissions from 2 submitters: Uncertain significance (2). Last evaluated 2025-04-03.

Conditions:
Wilms tumor 1 (WT1). Also called: Wilms tumor, somatic. Identifiers: Orphanet 654, MedGen CN033288, MONDO:0008679, OMIM 194070.
11p partial monosomy syndrome (WAGR). Also called: WAGR Spectrum Disorder; CHROMOSOME 11p13 DELETION SYNDROME; WAGR syndrome; WAGR Complex. Identifiers: Orphanet 893, MedGen C0206115, MONDO:0008681, OMIM 194072.
Frasier syndrome. Identifiers: Orphanet 347, MedGen C0950122, MeSH D052159, MONDO:0007635, OMIM 136680.
Drash syndrome (DDS). Also called: WILMS TUMOR AND PSEUDO- OR TRUE HERMAPHRODITISM; NEPHROPATHY, WILMS TUMOR, AND GENITAL ANOMALIES. Identifiers: Orphanet 220, MedGen C0950121, MONDO:0008682, OMIM 194080.
Inborn genetic diseases. Identifiers: MedGen C0950123, MeSH D030342.

Submissions (2):

Ambry Genetics
Classification: Uncertain significance for Inborn genetic diseases. Last evaluated: 2025-04-03. Review status: criteria provided, single submitter. Criteria: Ambry Variant Classification Scheme 2023. Collection method: clinical testing. Allele origin: germline.
Comment: The p.G38C variant (also known as c.112G>T), located in coding exon 1 of the WT1 gene, results from a G to T substitution at nucleotide position 112. The glycine at codon 38 is replaced by cysteine, an amino acid with highly dissimilar properties. This amino acid position is conserved. In addition, this alteration is predicted to be tolerated by in silico analysis. Based on the available evidence, the clinical significance of this variant remains unclear.

Labcorp Genetics (formerly Invitae), Labcorp
Classification: Uncertain significance for Wilms tumor 1; Drash syndrome; 11p partial monosomy syndrome; Frasier syndrome. Last evaluated: 2020-03-06. Review status: criteria provided, single submitter. Criteria: Invitae Variant Classification Sherloc (09022015). Collection method: clinical testing. Allele origin: germline.
Comment: This sequence change replaces glycine with cysteine at codon 38 of the WT1 protein (p.Gly38Cys). The glycine residue is weakly conserved and there is a large physicochemical difference between glycine and cysteine. In summary, the available evidence is currently insufficient to determine the role of this variant in disease. Therefore, it has been classified as a Variant of Uncertain Significance. Algorithms developed to predict the effect of missense changes on protein structure and function are either unavailable or do not agree on the potential impact of this missense change (SIFT: "Deleterious"; PolyPhen-2: "Benign"; Align-GVGD: "Class C0"). This variant has not been reported in the literature in individuals with WT1-related conditions. The frequency data for this variant in the population databases is considered unreliable, as metrics indicate insufficient coverage at this position in the ExAC database.

NM_024426.6(WT1):c.127G>T (p.Gly43Cys)

Genes: WT1 (WT1 transcription factor; minus strand), LOC107982234 (WT1/WT1-AS bi-directional promoter region; plus strand). Cytogenetic location: 11p13.
Variant type: single nucleotide variant.
Coding change: c.127G>T on transcript NM_024426.6 (MANE Select); coding-DNA position 127, G replaced by T.
Protein change: p.Gly43Cys; replaces glycine 43 with cysteine.
Molecular consequence: missense variant. On other transcripts: non-coding transcript variant (1).
Genome position (GRCh38, 1-based): chr11:32,435,234, C>A on the plus strand (G>T on the coding strand, the complement: WT1 is on the minus strand). VCF-style: chr11-32435234-C-A. GRCh37 (hg19) VCF-style: chr11-32456780-C-A.
Other names: c.112G>T (NM_024426.4); c.127G>T, p.Gly43Cys (NM_000378.6, NM_024424.5); short protein forms G43C.
Identifiers: ClinVar variation 1009526 (VCV001009526.10), dbSNP rs1166553415, ClinGen allele CA379966330.